The following is an entry in ClinVar:

ClinVar aggregate classification (germline): Likely benign (0 of 4 stars; one submission).

Conditions:
PLXNA4-related disorder. Also called: PLXNA4-related condition.

gnomAD v4.1: 10 of 1,614,006 alleles (0.00062%); highest among the groups gnomAD compares: African/African-American, 0.011%; no homozygotes.

Submission:

PreventionGenetics, part of Exact Sciences
Classification: Likely benign for PLXNA4-related condition. Last evaluated: 2023-08-01. Review status: no assertion criteria provided. Collection method: clinical testing. Allele origin: germline.
Comment: This variant is classified as likely benign based on ACMG/AMP sequence variant interpretation guidelines (Richards et al. 2015 PMID: 25741868, with internal and published modifications).

NM_020911.2(PLXNA4):c.1416G>T (p.Thr472=)

Gene: PLXNA4 (plexin A4; minus strand). Cytogenetic location: 7q32.3.
Variant type: single nucleotide variant.
Coding change: c.1416G>T on transcript NM_020911.2 (MANE Select); coding-DNA position 1416, G replaced by T.
Protein change: p.Thr472=; no amino-acid change (threonine 472 retained).
Molecular consequence: synonymous variant.
Genome position (GRCh38, 1-based): chr7:132,298,178, C>A on the plus strand (G>T on the coding strand, the complement: PLXNA4 is on the minus strand). VCF-style: chr7-132298178-C-A. GRCh37 (hg19) VCF-style: chr7-131982937-C-A.
Other names: c.1416G>T, p.Thr472= (NM_001393897.1).
Identifiers: ClinVar variation 3356945 (VCV003356945.1).